The following is an entry in ClinVar:

NM_133459.4(CCBE1):c.1175G>T (p.Arg392Ile)

Gene: CCBE1 (collagen and calcium binding EGF domains 1; minus strand). Cytogenetic location: 18q21.32.
Variant type: single nucleotide variant.
Coding change: c.1175G>T on transcript NM_133459.4 (MANE Select); coding-DNA position 1175, G replaced by T.
Protein change: p.Arg392Ile; replaces arginine 392 with isoleucine.
Molecular consequence: missense variant.
Genome position (GRCh38, 1-based): chr18:59,435,954, C>A on the plus strand (G>T on the coding strand, the complement: CCBE1 is on the minus strand). VCF-style: chr18-59435954-C-A. GRCh37 (hg19) VCF-style: chr18-57103186-C-A.
Other names: short protein forms R392I.
Identifiers: ClinVar variation 1467450 (VCV001467450.7), dbSNP rs775325478, ClinGen allele CA8980157.

ClinVar aggregate classification (germline): Uncertain significance (1 of 4 stars; one submission).

Allele frequency attached by ClinVar (database versions not stated): TOPMed below 0.00001; gnomAD 0.00001; gnomAD exomes 0.00001; ExAC 0.00002.
gnomAD v4.1: 4 of 1,613,932 alleles (0.00025%); highest among the groups gnomAD compares: Admixed American, 0.0017%; no homozygotes.

Submission:

Labcorp Genetics (formerly Invitae), Labcorp
Classification: Uncertain significance. Last evaluated: 2024-02-17. Review status: criteria provided, single submitter. Criteria: Invitae Variant Classification Sherloc (09022015). Collection method: clinical testing. Allele origin: germline.
Comment: This sequence change replaces arginine, which is basic and polar, with isoleucine, which is neutral and non-polar, at codon 392 of the CCBE1 protein (p.Arg392Ile). This variant is present in population databases (rs775325478, gnomAD 0.003%). This variant has not been reported in the literature in individuals affected with CCBE1-related conditions. ClinVar contains an entry for this variant (Variation ID: 1467450). Advanced modeling of protein sequence and biophysical properties (such as structural, functional, and spatial information, amino acid conservation, physicochemical variation, residue mobility, and thermodynamic stability) performed at Invitae indicates that this missense variant is not expected to disrupt CCBE1 protein function with a negative predictive value of 80%. In summary, the available evidence is currently insufficient to determine the role of this variant in disease. Therefore, it has been classified as a Variant of Uncertain Significance.